The following is an entry in ClinVar:

ClinVar aggregate classification (germline): Pathogenic (1 of 4 stars; one submission).

Submission:

Baylor Genetics
Classification: Pathogenic. Last evaluated: 2018-11-01. Review status: criteria provided, single submitter. Criteria: ACMG CNV Guidelines, 2011. Collection method: clinical testing. Allele origin: germline. Observed: 1 variant allele.

GRCh37/hg19 14q11.2-12(chr14:19100682-28730087)

Genes: ABHD4 (abhydrolase domain containing 4, N-acyl phospholipase B; plus strand), ACIN1 (apoptotic chromatin condensation inducer 1; minus strand), ADCY4 (adenylate cyclase 4; minus strand), AJUBA (ajuba LIM protein; minus strand), ANG (angiogenin; plus strand) and 149 more. Cytogenetic location: 14q11.2-12.
Variant type: copy number gain.
Identifiers: ClinVar variation 625814 (VCV000625814.1).